The following is an entry in ClinVar:

NM_015443.4(KANSL1):c.893C>G (p.Ala298Gly)

Gene: KANSL1 (KAT8 regulatory NSL complex subunit 1). Cytogenetic location: 17q21.31.
Variant type: single nucleotide variant.
Coding change: c.893C>G on transcript NM_015443.4 (MANE Select); coding-DNA position 893, C replaced by G.
Protein change: p.Ala298Gly; replaces alanine 298 with glycine.
Molecular consequence: missense variant.
Genome position (GRCh38, 1-based): chr17:46,171,251, G>C on the plus strand (C>G on the coding strand, the complement: KANSL1 is on the minus strand). VCF-style: chr17-46171251-G-C. GRCh37 (hg19) VCF-style: chr17-44248617-G-C.
Other names: c.893C>G, p.Ala298Gly (NM_001193465.2, NM_001193466.2, NM_001379198.1); short protein forms A298G.
Identifiers: ClinVar variation 1369610 (VCV001369610.5), dbSNP rs149363799, ClinGen allele CA399980309.

ClinVar aggregate classification (germline): Uncertain significance (1 of 4 stars; one submission).

Conditions:
Koolen-de Vries syndrome (KDVS). Identifiers: Orphanet 96169, MedGen C1864871, MONDO:0012496, OMIM 610443.

Allele frequency attached by ClinVar (database versions not stated): gnomAD exomes below 0.00001.
gnomAD v4.1: 2 of 1,614,058 alleles (0.00012%); highest among the groups gnomAD compares: South Asian, 0.0022%; no homozygotes.

Submission:

Labcorp Genetics (formerly Invitae), Labcorp
Classification: Uncertain significance for Koolen-de Vries syndrome. Last evaluated: 2021-09-17. Review status: criteria provided, single submitter. Criteria: Invitae Variant Classification Sherloc (09022015). Collection method: clinical testing. Allele origin: germline.
Comment: Due to the possible presence of a polymorphic segmental duplication, the location of the variant could not be unambiguously resolved. Variants with ambiguous mapping are still reported relative to the KANSL1 transcript. This sequence change replaces alanine with glycine at codon 298 of the KANSL1 protein (p.Ala298Gly). The alanine residue is highly conserved and there is a small physicochemical difference between alanine and glycine. The frequency data for this variant in the population databases (ExAC) is considered unreliable due to the presence of homologous sequence, such as pseudogenes or paralogs, in the genome. This variant has not been reported in the literature in individuals with KANSL1-related conditions. Algorithms developed to predict the effect of missense changes on protein structure and function are either unavailable or do not agree on the potential impact of this missense change (SIFT: "Tolerated"; PolyPhen-2: "Probably Damaging"; Align-GVGD: "Class C0"). Until the location of this sequence change can be resolved, the clinical significance of this variant remains uncertain. It has been classified as a Variant of Uncertain Significance.